The following is an entry in ClinVar:

NM_016507.4(CDK12):c.2851C>G (p.Leu951Val)

Gene: CDK12 (cyclin dependent kinase 12; plus strand). Cytogenetic location: 17q12.
Variant type: single nucleotide variant.
Coding change: c.2851C>G on transcript NM_016507.4 (MANE Select); coding-DNA position 2851, C replaced by G.
Protein change: p.Leu951Val; replaces leucine 951 with valine.
Molecular consequence: missense variant.
Genome position (GRCh38, 1-based): chr17:39,517,444, C>G. VCF-style: chr17-39517444-C-G. GRCh37 (hg19) VCF-style: chr17-37673697-C-G.
Other names: c.2851C>G, p.Leu951Val (NM_015083.4); short protein forms L951V.
Identifiers: ClinVar variation 5034089 (VCV005034089.1).
Genomic context (GRCh38, chr17:39,517,444, plus strand): 5'-GAATTCATGATGTTGACTCACTCACTCCATTGTTCTTGCTTTTGCTTTGTTTTCAGCCGA[C>G]TTTGTGGTAGCCCTTGTCCAGCTGTGTGGCCTGATGTTATCAAACTGCCCTACTTCAACA-3'
Protein context (NP_057591.2, residues 941-961): ELAQLELISR[Leu951Val]CGSPCPAVWP

ClinVar aggregate classification (germline): Uncertain significance (1 of 4 stars; one submission).

gnomAD v4.1: 3 of 1,604,714 alleles (0.00019%); highest among the groups gnomAD compares: Non-Finnish European, 0.00017%; no homozygotes.

Submission:

Ambry Genetics
Classification: Uncertain significance. Last evaluated: 2026-07-11. Review status: criteria provided, single submitter. Criteria: Ambry Variant Classification Scheme 2023. Collection method: clinical testing. Allele origin: germline.
Comment: The p.L951V variant (also known as c.2851C>G), located in coding exon 10 of the CDK12 gene, results from a C to G substitution at nucleotide position 2851. The leucine at codon 951 is replaced by valine, an amino acid with highly similar properties. This amino acid position is conserved. In addition, this alteration is predicted to be tolerated by in silico analysis. Based on the available evidence, the clinical significance of this variant remains unclear.